The following is an entry in ClinVar:

ClinVar aggregate classification (germline): Uncertain significance. Review status: criteria provided, multiple submitters, no conflicts (2 of 4 stars). 3 submissions from 3 submitters: Uncertain significance (2). 1 of the submissions does not count toward it. Last evaluated 2021-09-01.

Conditions:
Primary ciliary dyskinesia. Also called: Ciliary dyskinesia. Identifiers: Orphanet 244, MedGen C0008780, MONDO:0016575, HP:0012265.

Allele frequency attached by ClinVar (database versions not stated): TOPMed below 0.00001; ExAC 0.00001; gnomAD 0.00001; 1000 Genomes Project 30x 0.00016; 1000 Genomes Project 0.00020.
gnomAD v4.1: 8 of 1,614,190 alleles (0.0005%); highest among the groups gnomAD compares: Admixed American, 0.005%; no homozygotes.

Submissions (3):

Labcorp Genetics (formerly Invitae), Labcorp
Classification: Uncertain significance for Primary ciliary dyskinesia. Last evaluated: 2021-09-01. Review status: criteria provided, single submitter. Criteria: Invitae Variant Classification Sherloc (09022015). Collection method: clinical testing. Allele origin: germline.
Comment: This sequence change replaces lysine with threonine at codon 99 of the DNAI2 protein (p.Lys99Thr). The lysine residue is highly conserved and there is a moderate physicochemical difference between lysine and threonine. This variant is present in population databases (rs200125805, ExAC 0.009%). This variant has not been reported in the literature in individuals affected with DNAI2-related conditions. Algorithms developed to predict the effect of missense changes on protein structure and function (SIFT, PolyPhen-2, Align-GVGD) all suggest that this variant is likely to be disruptive. In summary, the available evidence is currently insufficient to determine the role of this variant in disease. Therefore, it has been classified as a Variant of Uncertain Significance.

Ambry Genetics
Classification: Uncertain significance for Primary ciliary dyskinesia. Last evaluated: 2016-01-09. Review status: criteria provided, single submitter. Criteria: Ambry Variant Classification Scheme 2023. Collection method: clinical testing. Allele origin: germline.
Comment: The p.K99T variant (also known as c.296A>C), located in coding exon 2 of the DNAI2 gene, results from an A to C substitution at nucleotide position 296. The lysine at codon 99 is replaced by threonine, an amino acid with similar properties. This variant was previously reported in the SNPDatabase as rs200125805. Based on data from the 1000 Genomes Project, the C allele has an overall frequency of approximately 0.05% (1/2098) total alleles studied. The highest observed frequency was 0.91% (1/110) Puerto Rican alleles. This amino acid position is highly conserved in available vertebrate species. In addition, the in silico prediction for this alteration is inconclusive. Since supporting evidence is limited at this time, the clinical significance of this variant remains unclear.

Natera, Inc.
Classification: Uncertain significance for Primary ciliary dyskinesia. Last evaluated: 2020-01-17. Review status: no assertion criteria provided. Collection method: clinical testing. Allele origin: germline. Not counted in ClinVar's aggregate classification.

NM_023036.6(DNAI2):c.296A>C (p.Lys99Thr)

Gene: DNAI2 (dynein axonemal intermediate chain 2; plus strand). Cytogenetic location: 17q25.1.
Variant type: single nucleotide variant.
Coding change: c.296A>C on transcript NM_023036.6 (MANE Select); coding-DNA position 296, A replaced by C.
Protein change: p.Lys99Thr; replaces lysine 99 with threonine.
Molecular consequence: missense variant. On other transcripts: non-coding transcript variant (1).
Genome position (GRCh38, 1-based): chr17:74,285,152, A>C. VCF-style: chr17-74285152-A-C. GRCh37 (hg19) VCF-style: chr17-72281291-A-C.
Other names: c.296A>C, p.Lys99Thr (NM_001172810.3, NM_001353167.2); short protein forms K99T.
Identifiers: ClinVar variation 454937 (VCV000454937.5), dbSNP rs200125805, ClinGen allele CA8745310.